The following is an entry in ClinVar:

NM_006208.3(ENPP1):c.2608-15T>G

Gene: ENPP1 (ectonucleotide pyrophosphatase/phosphodiesterase 1; plus strand). Cytogenetic location: 6q23.2.
Variant type: single nucleotide variant.
Coding change: c.2608-15T>G on transcript NM_006208.3 (MANE Select); 15 bases into the intron before coding-DNA position 2608, T replaced by G.
Molecular consequence: intron variant.
Genome position (GRCh38, 1-based): chr6:131,890,326, T>G. VCF-style: chr6-131890326-T-G. GRCh37 (hg19) VCF-style: chr6-132211466-T-G.
Identifiers: ClinVar variation 4698180 (VCV004698180.1).
Genomic context (GRCh38, chr6:131,890,326, plus strand): 5'-GGGAGATGGAGCACTTATAGAAGTGAACTGAGTGTTCTCTTGGTAACTTTTCTTTTATAT[T>G]TCCTATTCTCCTAGCATGGGAAGCATGACTCCTCATGGGTTGAAGAATTGTTAATGTTAC-3'

ClinVar aggregate classification (germline): Uncertain significance (1 of 4 stars; one submission).

Submission:

Labcorp Genetics (formerly Invitae), Labcorp
Classification: Uncertain significance. Last evaluated: 2025-11-19. Review status: criteria provided, single submitter. Criteria: Invitae Variant Classification Sherloc (09022015). Collection method: clinical testing. Allele origin: germline.
Comment: This sequence change falls in intron 24 of the ENPP1 gene. It does not directly change the encoded amino acid sequence of the ENPP1 protein. This variant is not present in population databases (gnomAD no frequency). This variant has not been reported in the literature in individuals affected with ENPP1-related conditions. Algorithms developed to predict the effect of sequence changes on RNA splicing suggest that this variant may disrupt the consensus splice site. In summary, the available evidence is currently insufficient to determine the role of this variant in disease. Therefore, it has been classified as a Variant of Uncertain Significance.